The following is an entry in ClinVar:

ClinVar aggregate classification (germline): Benign. Review status: criteria provided, multiple submitters, no conflicts (2 of 4 stars). 5 submissions from 5 submitters: Benign (5). Last evaluated 2026-01-28.

Conditions:
Autosomal dominant cerebellar ataxia. Also called: Spinocerebellar Ataxia, Dominant. Identifiers: Orphanet 99, MedGen C4087347, MONDO:0020380.

Allele frequency attached by ClinVar (database versions not stated): gnomAD exomes 0.00122 and 0.00216; ExAC 0.00219; gnomAD 0.00547 and 0.00575; ESP Exome Variant Server 0.00558; 1000 Genomes Project 0.00659; TOPMed 0.00671; 1000 Genomes Project 30x 0.00718.
gnomAD v4.1: 2,728 of 1,612,924 alleles (0.17%); highest among the groups gnomAD compares: African/African-American, 1.6%; 12 homozygotes.

Submissions (5):

Labcorp Genetics (formerly Invitae), Labcorp
Classification: Benign. Last evaluated: 2026-01-28. Review status: criteria provided, single submitter. Criteria: Invitae Variant Classification Sherloc (09022015). Collection method: clinical testing. Allele origin: germline.

Athena Diagnostics
Classification: Benign. Last evaluated: 2024-05-22. Review status: criteria provided, single submitter. Criteria: Athena Diagnostics Criteria. Collection method: clinical testing. Allele origin: unknown.

GeneDx
Classification: Benign. Last evaluated: 2020-01-15. Review status: criteria provided, single submitter. Criteria: GeneDx Variant Classification Process June 2021. Collection method: clinical testing. Allele origin: germline. Affected: yes.

Illumina Laboratory Services, Illumina
Classification: Benign for Spinocerebellar Ataxia, Dominant. Last evaluated: 2018-01-13. Review status: criteria provided, single submitter. Criteria: ICSL Variant Classification Criteria 13 December 2019. Collection method: clinical testing. Allele origin: germline.
Comment: This variant was observed in the ICSL laboratory as part of a predisposition screen in an ostensibly healthy population. It had not been previously curated by ICSL or reported in the Human Gene Mutation Database (HGMD: prior to June 1st, 2018), and was therefore a candidate for classification through an automated scoring system. Utilizing variant allele frequency, disease prevalence and penetrance estimates, and inheritance mode, an automated score was calculated to assess if this variant is too frequent to cause the disease. Based on the score and internal cut-off values, a variant classified as benign is not then subjected to further curation. The score for this variant resulted in a classification of benign for this disease.

Breakthrough Genomics
Classification: Benign. Review status: criteria provided, single submitter. Criteria: ACMG Guidelines, 2015. Collection method: not provided. Allele origin: germline. Inheritance: Autosomal dominant inheritance. Affected: yes.

NM_001378452.1(ITPR1):c.1536A>G (p.Glu512=)

Gene: ITPR1 (inositol 1,4,5-trisphosphate receptor type 1; plus strand). Cytogenetic location: 3p26.1.
Variant type: single nucleotide variant.
Coding change: c.1536A>G on transcript NM_001378452.1 (MANE Select); coding-DNA position 1536, A replaced by G.
Protein change: p.Glu512=; no amino-acid change (glutamic acid 512 retained).
Molecular consequence: synonymous variant.
Genome position (GRCh38, 1-based): chr3:4,663,188, A>G. VCF-style: chr3-4663188-A-G. GRCh37 (hg19) VCF-style: chr3-4704872-A-G.
Other names: c.1536A>G, p.Glu512= (NM_001099952.4); c.1491A>G, p.Glu497= (NM_001168272.2, NM_002222.7).
Identifiers: ClinVar variation 345688 (VCV000345688.17), dbSNP rs35047189, ClinGen allele CA2231203.